The following is an entry in ClinVar:

NM_002435.3(MPI):c.657G>T (p.Arg219=)

Gene: MPI (mannose phosphate isomerase; plus strand). Cytogenetic location: 15q24.1.
Variant type: single nucleotide variant.
Coding change: c.657G>T on transcript NM_002435.3 (MANE Select); coding-DNA position 657, G replaced by T.
Protein change: p.Arg219=; no amino-acid change (arginine 219 retained).
Molecular consequence: synonymous variant. On other transcripts: intron variant (1).
Genome position (GRCh38, 1-based): chr15:74,893,307, G>T. VCF-style: chr15-74893307-G-T. GRCh37 (hg19) VCF-style: chr15-75185648-G-T.
Other names: c.657G>T, p.Arg219= (NM_001289155.2); c.507G>T, p.Arg169= (NM_001289156.2); c.597G>T, p.Arg199= (NM_001330372.2); c.487+505G>T (NM_001289157.2).
Identifiers: ClinVar variation 515624 (VCV000515624.1), dbSNP rs1318782866, ClinGen allele CA491491358.

ClinVar aggregate classification (germline): Likely benign (1 of 4 stars; one submission).

Allele frequency attached by ClinVar (database versions not stated): TOPMed 0.00001.

Submission:

GeneDx
Classification: Likely benign. Last evaluated: 2018-03-06. Review status: criteria provided, single submitter. Criteria: GeneDx Variant Classification (06012015). Collection method: clinical testing. Allele origin: germline. Affected: yes.
Comment: This variant is considered likely benign or benign based on one or more of the following criteria: it is a conservative change, it occurs at a poorly conserved position in the protein, it is predicted to be benign by multiple in silico algorithms, and/or has population frequency not consistent with disease.